The following is an entry in ClinVar:

NM_000301.5(PLG):c.1180A>G (p.Thr394Ala)

Gene: PLG (plasminogen; plus strand). Cytogenetic location: 6q26.
Variant type: single nucleotide variant.
Coding change: c.1180A>G on transcript NM_000301.5 (MANE Select); coding-DNA position 1180, A replaced by G.
Protein change: p.Thr394Ala; replaces threonine 394 with alanine.
Molecular consequence: missense variant.
Genome position (GRCh38, 1-based): chr6:160,722,491, A>G. VCF-style: chr6-160722491-A-G. GRCh37 (hg19) VCF-style: chr6-161143523-A-G.
Other names: p.Thr394Ala; short protein forms T394A.
Identifiers: ClinVar variation 2682963 (VCV002682963.1), dbSNP rs2484358357, ClinGen allele CA366363335.

ClinVar aggregate classification (germline): Uncertain significance (1 of 4 stars; one submission).

Submission:

Mayo Clinic Laboratories, Mayo Clinic
Classification: Uncertain significance. Last evaluated: 2022-03-08. Review status: criteria provided, single submitter. Criteria: ACMG Guidelines, 2015. Collection method: clinical testing. Allele origin: germline. Observed: 1 variant allele.
Comment: BP4, PM2_supporting